The following is an entry in ClinVar:

NM_170601.5(SIAE):c.1373C>G (p.Thr458Ser)

Gene: SIAE (sialic acid acetylesterase; minus strand). Cytogenetic location: 11q24.2.
Variant type: single nucleotide variant.
Coding change: c.1373C>G on transcript NM_170601.5 (MANE Select); coding-DNA position 1373, C replaced by G.
Protein change: p.Thr458Ser; replaces threonine 458 with serine.
Molecular consequence: missense variant.
Genome position (GRCh38, 1-based): chr11:124,637,150, G>C on the plus strand (C>G on the coding strand, the complement: SIAE is on the minus strand). VCF-style: chr11-124637150-G-C. GRCh37 (hg19) VCF-style: chr11-124507046-G-C.
Other names: c.1268C>G, p.Thr423Ser (NM_001199922.2); short protein forms T423S, T458S.
Identifiers: ClinVar variation 3724294 (VCV003724294.2).

ClinVar aggregate classification (germline): Uncertain significance (1 of 4 stars; one submission).

gnomAD v4.1: 1 of 1,614,192 alleles (0.000062%); highest among the groups gnomAD compares: Non-Finnish European, 0.000085%; no homozygotes.

Submission:

Labcorp Genetics (formerly Invitae), Labcorp
Classification: Uncertain significance. Last evaluated: 2024-10-30. Review status: criteria provided, single submitter. Criteria: Invitae Variant Classification Sherloc (09022015). Collection method: clinical testing. Allele origin: germline.
Comment: This sequence change replaces threonine, which is neutral and polar, with serine, which is neutral and polar, at codon 458 of the SIAE protein (p.Thr458Ser). This variant is present in population databases (rs770537556, gnomAD 0.0009%). This variant has not been reported in the literature in individuals affected with SIAE-related conditions. An algorithm developed to predict the effect of missense changes on protein structure and function outputs the following: PolyPhen-2: "Benign". The serine amino acid residue is found in multiple mammalian species, which suggests that this missense change does not adversely affect protein function. In summary, the available evidence is currently insufficient to determine the role of this variant in disease. Therefore, it has been classified as a Variant of Uncertain Significance.